The following is an entry in ClinVar:

ClinVar aggregate classification (germline): Uncertain significance. Review status: criteria provided, multiple submitters, no conflicts (2 of 4 stars). 4 submissions from 4 submitters: Uncertain significance (3). 1 of the submissions does not count toward it. Last evaluated 2025-07-15.

Conditions:
COL18A1-related disorder. Also called: COL18A1-related disorders; COL18A1-related condition.
Inborn genetic diseases. Identifiers: MedGen C0950123, MeSH D030342.

Allele frequency attached by ClinVar (database versions not stated): gnomAD 0.00001; TOPMed 0.00001; ExAC 0.00006.
gnomAD v4.1: 7 of 1,552,396 alleles (0.00045%); highest among the groups gnomAD compares: Admixed American, 0.0078%; no homozygotes.

Submissions (4):

Ambry Genetics
Classification: Uncertain significance for Inborn genetic diseases. Last evaluated: 2025-07-15. Review status: criteria provided, single submitter. Criteria: Ambry Variant Classification Scheme 2023. Collection method: clinical testing. Allele origin: germline.

Labcorp Genetics (formerly Invitae), Labcorp
Classification: Uncertain significance. Last evaluated: 2024-11-05. Review status: criteria provided, single submitter. Criteria: Invitae Variant Classification Sherloc (09022015). Collection method: clinical testing. Allele origin: germline.
Comment: This sequence change replaces proline, which is neutral and non-polar, with arginine, which is basic and polar, at codon 360 of the COL18A1 protein (p.Pro360Arg). This variant is present in population databases (rs780234990, gnomAD 0.01%). This variant has not been reported in the literature in individuals affected with COL18A1-related conditions. ClinVar contains an entry for this variant (Variation ID: 2177765). Experimental studies and prediction algorithms are not available or were not evaluated, and the functional significance of this variant is currently unknown. In summary, the available evidence is currently insufficient to determine the role of this variant in disease. Therefore, it has been classified as a Variant of Uncertain Significance.

Breakthrough Genomics
Classification: Uncertain significance. Review status: criteria provided, single submitter. Criteria: ACMG Guidelines, 2015. Collection method: not provided. Allele origin: germline. Inheritance: Autosomal dominant inheritance. Affected: yes.

PreventionGenetics, part of Exact Sciences
Classification: Uncertain significance for COL18A1-related condition. Last evaluated: 2024-01-05. Review status: no assertion criteria provided. Collection method: clinical testing. Allele origin: germline. Not counted in ClinVar's aggregate classification.
Comment: The COL18A1 c.1619C>G variant is predicted to result in the amino acid substitution p.Pro540Arg. To our knowledge, this variant has not been reported in the literature. This variant is reported in 0.013% of alleles in individuals of African descent in gnomAD. At this time, the clinical significance of this variant is uncertain due to the absence of conclusive functional and genetic evidence.

NM_001379500.1(COL18A1):c.1079C>G (p.Pro360Arg)

Gene: COL18A1 (collagen type XVIII alpha 1 chain; plus strand). Cytogenetic location: 21q22.3.
Variant type: single nucleotide variant.
Coding change: c.1079C>G on transcript NM_001379500.1 (MANE Select); coding-DNA position 1079, C replaced by G.
Protein change: p.Pro360Arg; replaces proline 360 with arginine.
Molecular consequence: missense variant.
Genome position (GRCh38, 1-based): chr21:45,477,823, C>G. VCF-style: chr21-45477823-C-G. GRCh37 (hg19) VCF-style: chr21-46897737-C-G.
Other names: NM_130445.2:c.1079C>G; c.1619C>G, p.Pro540Arg (NM_030582.4); c.2324C>G, p.Pro775Arg (NM_130444.3); c.1619C>G (NM_030582.3); short protein forms P540R, P360R, P775R.
Identifiers: ClinVar variation 2177765 (VCV002177765.6), dbSNP rs780234990, ClinGen allele CA10066070.